The following is an entry in ClinVar:

ClinVar aggregate classification (germline): Benign/Likely benign. Review status: criteria provided, multiple submitters, no conflicts (2 of 4 stars). 9 submissions from 9 submitters: Benign (2); Likely benign (5). 2 of the submissions do not count toward it. Last evaluated 2026-02-03.

Conditions:
Inborn genetic diseases. Identifiers: MedGen C0950123, MeSH D030342.
Early-infantile DEE. Also called: Ohtahara syndrome; Early infantile epileptic encephalopathy; Early infantile epileptic encephalopathy with suppression bursts. Identifiers: Orphanet 1934, MedGen C0393706, MONDO:0800491.

Allele frequency attached by ClinVar (database versions not stated): 1000 Genomes Project 30x 0.00016; ExAC 0.00016; 1000 Genomes Project 0.00020; gnomAD exomes 0.00020 and 0.00029; TOPMed 0.00023; gnomAD 0.00030 and 0.00032.
gnomAD v4.1: 469 of 1,613,870 alleles (0.029%); highest among the groups gnomAD compares: Non-Finnish European, 0.036%; 1 homozygote.

Submissions (9):

Labcorp Genetics (formerly Invitae), Labcorp
Classification: Likely benign for Early-infantile DEE. Last evaluated: 2026-02-03. Review status: criteria provided, single submitter. Criteria: Invitae Variant Classification Sherloc (09022015). Collection method: clinical testing. Allele origin: germline.

CeGaT Center for Human Genetics Tuebingen
Classification: Likely benign. Last evaluated: 2026-02-01. Review status: criteria provided, single submitter. Criteria: CeGaT Center For Human Genetics Tuebingen Variant Classification Criteria Version 2. Collection method: clinical testing. Allele origin: germline. Affected: yes. Observed: 5 variant alleles.
Comment: SCN8A: BP4, BP7

Blueprint Genetics
Classification: Likely benign. Last evaluated: 2024-06-10. Review status: criteria provided, single submitter. Criteria: ACMG Guidelines, 2015. Collection method: clinical testing. Allele origin: germline.

Genetic Services Laboratory, University of Chicago
Classification: Likely benign. Last evaluated: 2021-11-02. Review status: criteria provided, single submitter. Criteria: ACMG Guidelines, 2015. Collection method: clinical testing. Allele origin: germline. Affected: no.

GeneDx
Classification: Benign. Last evaluated: 2019-09-30. Review status: criteria provided, single submitter. Criteria: GeneDx Variant Classification Process June 2021. Collection method: clinical testing. Allele origin: germline. Affected: yes.

Athena Diagnostics
Classification: Benign. Last evaluated: 2019-04-23. Review status: criteria provided, single submitter. Criteria: Athena Diagnostics Criteria. Collection method: clinical testing. Allele origin: germline.

Ambry Genetics
Classification: Likely benign for Inborn genetic diseases. Last evaluated: 2016-05-03. Review status: criteria provided, single submitter. Criteria: Ambry Variant Classification Scheme 2023. Collection method: clinical testing. Allele origin: germline.

Clinical Genetics DNA and cytogenetics Diagnostics Lab, Erasmus MC, Erasmus Medical Center
Classification: Likely benign. Review status: no assertion criteria provided. Collection method: clinical testing. Allele origin: germline. Affected: yes. Study: VKGL Data-share Consensus. Not counted in ClinVar's aggregate classification.

Joint Genome Diagnostic Labs from Nijmegen and Maastricht, Radboudumc and MUMC+
Classification: Likely benign. Review status: no assertion criteria provided. Collection method: clinical testing. Allele origin: germline. Affected: yes. Study: VKGL Data-share Consensus. Not counted in ClinVar's aggregate classification.

NM_001330260.2(SCN8A):c.4764C>T (p.Phe1588=)

Gene: SCN8A (sodium voltage-gated channel alpha subunit 8; plus strand). Cytogenetic location: 12q13.13.
Variant type: single nucleotide variant.
Coding change: c.4764C>T on transcript NM_001330260.2 (MANE Select); coding-DNA position 4764, C replaced by T.
Protein change: p.Phe1588=; no amino-acid change (phenylalanine 1588 retained).
Molecular consequence: synonymous variant.
Genome position (GRCh38, 1-based): chr12:51,794,610, C>T. VCF-style: chr12-51794610-C-T. GRCh37 (hg19) VCF-style: chr12-52188394-C-T.
Other names: c.4641C>T, p.Phe1547= (NM_001177984.3, NM_001369788.1); c.4764C>T, p.Phe1588= (NM_014191.4).
Identifiers: ClinVar variation 212136 (VCV000212136.68), dbSNP rs200728478, ClinGen allele CA205928.